The following is an entry in ClinVar:

ClinVar aggregate classification (germline): Uncertain significance (1 of 4 stars; one submission).

Conditions:
Hereditary cancer-predisposing syndrome. Also called: Neoplastic Syndromes, Hereditary; Tumor predisposition; Hereditary Cancer Syndrome; Hereditary neoplastic syndrome. Identifiers: Orphanet 140162, MedGen C0027672, MeSH D009386, MONDO:0015356.

Submission:

Ambry Genetics
Classification: Uncertain significance for Hereditary cancer-predisposing syndrome. Last evaluated: 2026-07-08. Review status: criteria provided, single submitter. Criteria: Ambry Variant Classification Scheme 2023. Collection method: clinical testing. Allele origin: germline.
Comment: The p.L486S variant (also known as c.1457T>C), located in coding exon 16 of the RB1 gene, results from a T to C substitution at nucleotide position 1457. The leucine at codon 486 is replaced by serine, an amino acid with dissimilar properties. This amino acid position is highly conserved in available vertebrate species. In addition, this alteration is predicted to be deleterious by in silico analysis. Based on the available evidence, the clinical significance of this variant remains unclear.

NM_000321.3(RB1):c.1457T>C (p.Leu486Ser)

Gene: RB1 (RB transcriptional corepressor 1; plus strand). Cytogenetic location: 13q14.2.
Variant type: single nucleotide variant.
Coding change: c.1457T>C on transcript NM_000321.3 (MANE Select); coding-DNA position 1457, T replaced by C.
Protein change: p.Leu486Ser; replaces leucine 486 with serine.
Molecular consequence: missense variant.
Genome position (GRCh38, 1-based): chr13:48,380,200, T>C. VCF-style: chr13-48380200-T-C. GRCh37 (hg19) VCF-style: chr13-48954336-T-C.
Other names: c.1457T>C, p.Leu486Ser (NM_001407165.1, NM_001407166.1); short protein forms L486S.
Identifiers: ClinVar variation 4151213 (VCV004151213.2).